The following is an entry in ClinVar:

NM_033305.3(VPS13A):c.7062dup (p.Leu2355fs)

Gene: VPS13A (vacuolar protein sorting 13 homolog A; plus strand). Cytogenetic location: 9q21.2.
Variant type: Duplication.
Coding change: c.7062dup on transcript NM_033305.3 (MANE Select); coding-DNA position 7062, one base duplicated (A; older notation c.7062dupA).
Protein change: p.Leu2355fs; shifts the reading frame from leucine 2355.
Molecular consequence: frameshift variant.
Genome position (GRCh38, 1-based): chr9:77,344,188, A duplicated; the last of 3 consecutive A bases (chr9:77,344,186-77,344,188); duplicating any one gives the same sequence. VCF-style (leftmost placement, unchanged base first): chr9-77344185-T-TA. GRCh37 (hg19) VCF-style: chr9-79959101-T-TA.
Other names: c.6945dup, p.Leu2316fs (NM_001018037.2); c.7062dup, p.Leu2355fs (NM_001018038.3, NM_015186.4); short protein forms L2316fs, L2355fs.
Identifiers: ClinVar variation 3366999 (VCV003366999.1).

ClinVar aggregate classification (germline): Likely pathogenic (1 of 4 stars; one submission).

Conditions:
VPS13A-related neurodegenerative disease. Also called: LEVINE-CRITCHLEY SYNDROME; Choreoacanthocytosis; Chorea-acanthocytosis; ACANTHOCYTOSIS WITH NEUROLOGIC DISORDER; VPS13A Disease; Choreaacanthocytosis. Identifiers: Orphanet 2388, MedGen C0393576, MONDO:0008695, OMIM 200150.

Submission:

Neuberg Centre For Genomic Medicine, NCGM
Classification: Likely pathogenic for VPS13A-related neurodegenerative disease. Last evaluated: 2023-05-20. Review status: criteria provided, single submitter. Criteria: ACMG Guidelines, 2015. Collection method: clinical testing. Allele origin: germline. Inheritance: Autosomal recessive inheritance. Affected: yes.
Comment: The observed frameshift variant c.7062dup (p.Leu2355ThrfsTer9)in the VPS13A gene has not been reported previously as a pathogenic variant nor as a benign variant, to our knowledge. This variant is absent in the gnomAD Exomes. This variant causes a frameshift starting with codon Leucine 2355, changes this amino acid to Threonine residue, and creates a premature Stop codon at position 9 of the new reading frame, denoted p.Leu2355ThrfsTer9. This variant is predicted to cause loss of normal protein function through protein truncation. Loss of function variants have been previously reported to be disease causing (Tomiyasu A, et al., 2011). For these reasons, this variant has been classified as Likely Pathogenic.